The following is an entry in ClinVar:

ClinVar aggregate classification (germline): Uncertain significance (1 of 4 stars; one submission).

Submission:

CeGaT Center for Human Genetics Tuebingen
Classification: Uncertain significance. Last evaluated: 2026-05-01. Review status: criteria provided, single submitter. Criteria: CeGaT Center For Human Genetics Tuebingen Variant Classification Criteria Version 2. Collection method: clinical testing. Allele origin: germline. Affected: yes. Observed: 1 variant allele.
Comment: TAF1: PM2, BP4

NM_004606.5(TAF1):c.856G>A (p.Glu286Lys)

Gene: TAF1 (TATA-box binding protein associated factor 1; plus strand). Cytogenetic location: Xq13.1.
Variant type: single nucleotide variant.
Coding change: c.856G>A on transcript NM_004606.5 (MANE Select); coding-DNA position 856, G replaced by A.
Protein change: p.Glu286Lys; replaces glutamic acid 286 with lysine.
Molecular consequence: missense variant. On other transcripts: non-coding transcript variant (9).
Genome position (GRCh38, 1-based): chrX:71,377,744, G>A. VCF-style: chrX-71377744-G-A. GRCh37 (hg19) VCF-style: chrX-70597594-G-A.
Other names: c.856G>A, p.Glu286Lys (NM_001286074.2, NM_001440852.1, NM_001440853.1); c.793G>A, p.Glu265Lys (NM_001440854.1, NM_138923.4); short protein forms E265K, E286K.
Identifiers: ClinVar variation 4874906 (VCV004874906.2).
Genomic context (GRCh38, chrX:71,377,744, plus strand): 5'-AAGCACCGTGAGCTGATACAGGAAGAGCAGATCCAGGAGGTGGAGTGCTCAGTAGAATCA[G>A]AAGTCAGCCAGAAGTCTTTGTGGAACTACGACTACGCTCCACCACCACCTCCAGAGCAGT-3'
Protein context (NP_004597.3, residues 276-296): IQEVECSVES[Glu286Lys]VSQKSLWNYD